The following is an entry in ClinVar:

NM_007194.4(CHEK2):c.145T>C (p.Ser49Pro)

Gene: CHEK2 (checkpoint kinase 2; minus strand). Cytogenetic location: 22q12.1.
Variant type: single nucleotide variant.
Coding change: c.145T>C on transcript NM_007194.4 (MANE Select); coding-DNA position 145, T replaced by C.
Protein change: p.Ser49Pro; replaces serine 49 with proline.
Molecular consequence: missense variant.
Genome position (GRCh38, 1-based): chr22:28,734,577, A>G on the plus strand (T>C on the coding strand, the complement: CHEK2 is on the minus strand). VCF-style: chr22-28734577-A-G. GRCh37 (hg19) VCF-style: chr22-29130565-A-G.
Other names: c.145T>C, p.Ser49Pro (NM_001005735.3, NM_001349956.3, NM_145862.3); c.-633T>C (NM_001257387.3); short protein forms S49P.
Identifiers: ClinVar variation 652055 (VCV000652055.10), dbSNP rs756991701, ClinGen allele CA10168068.
Genomic context (GRCh38, chr22:28,734,577, plus strand): 5'-GAGTGGACACTGTCTCTAAGGAGCTCAGTGTCCCAGAGCTGGAGTGAGAGGACTGGCTGG[A>G]GTTTGGCATCGTGCTGGTAGAGGAGCTGGATATGCCCTGGGACTGTGAGGAGGAGCCTTG-3'
Protein context (NP_009125.1, residues 39-59): SSSSTSTMPN[Ser49Pro]SQSSHSSSGT

ClinVar aggregate classification (germline): Uncertain significance. Review status: criteria provided, multiple submitters, no conflicts (2 of 4 stars). 2 submissions from 2 submitters: Uncertain significance (2). Last evaluated 2023-12-18.

Conditions:
Hereditary cancer-predisposing syndrome. Also called: Neoplastic Syndromes, Hereditary; Tumor predisposition; Hereditary Cancer Syndrome; Hereditary neoplastic syndrome. Identifiers: Orphanet 140162, MedGen C0027672, MeSH D009386, MONDO:0015356.
Familial cancer of breast. Also called: hereditary breast carcinoma; BREAST CANCER, FAMILIAL; Hereditary breast cancer. Identifiers: Orphanet 227535, MedGen C0346153, MONDO:0016419, OMIM 114480. Disease mechanism: loss of function.

Allele frequency attached by ClinVar (database versions not stated): ExAC 0.00023.

Submissions (2):

Ambry Genetics
Classification: Uncertain significance for Hereditary cancer-predisposing syndrome. Last evaluated: 2023-12-18. Review status: criteria provided, single submitter. Criteria: Ambry Variant Classification Scheme 2023. Collection method: clinical testing. Allele origin: germline.
Comment: The p.S49P variant (also known as c.145T>C), located in coding exon 1 of the CHEK2 gene, results from a T to C substitution at nucleotide position 145. The serine at codon 49 is replaced by proline, an amino acid with similar properties. This amino acid position is not well conserved in available vertebrate species. In addition, this alteration is predicted to be tolerated by in silico analysis. Since supporting evidence is limited at this time, the clinical significance of this alteration remains unclear.

Labcorp Genetics (formerly Invitae), Labcorp
Classification: Uncertain significance for Familial cancer of breast. Last evaluated: 2018-11-15. Review status: criteria provided, single submitter. Criteria: Invitae Variant Classification Sherloc (09022015). Collection method: clinical testing. Allele origin: germline.
Comment: In summary, the available evidence is currently insufficient to determine the role of this variant in disease. Therefore, it has been classified as a Variant of Uncertain Significance. Algorithms developed to predict the effect of missense changes on protein structure and function are either unavailable or do not agree on the potential impact of this missense change (SIFT: "Deleterious"; PolyPhen-2: "Probably Damaging"; Align-GVGD: "Class C0"). This variant has not been reported in the literature in individuals with CHEK2-related disease. The frequency data for this variant in the population databases is considered unreliable, as metrics indicate poor data quality at this position in the ExAC database. This sequence change replaces serine with proline at codon 49 of the CHEK2 protein (p.Ser49Pro). The serine residue is moderately conserved and there is a moderate physicochemical difference between serine and proline.